The following is an entry in ClinVar:

ClinVar aggregate classification (germline): Uncertain significance (1 of 4 stars; one submission).

Allele frequency attached by ClinVar (database versions not stated): ESP Exome Variant Server 0.00008; gnomAD exomes 0.00001; gnomAD 0.00003; TOPMed 0.00003; ExAC 0.00001.
gnomAD v4.1: 17 of 1,613,996 alleles (0.0011%); highest among the groups gnomAD compares: Non-Finnish European, 0.0014%; no homozygotes.

Submission:

Ambry Genetics
Classification: Uncertain significance. Last evaluated: 2026-06-03. Review status: criteria provided, single submitter. Criteria: Ambry Variant Classification Scheme 2023. Collection method: clinical testing. Allele origin: germline.
Comment: The c.1883C>T (p.P628L) alteration is located in exon 16 (coding exon 16) of the ITPR3 gene. This alteration results from a C to T substitution at nucleotide position 1883, causing the proline (P) at amino acid position 628 to be replaced by a leucine (L). Based on data from gnomAD, the T allele has an overall frequency of <0.001% (1/250664) total alleles studied. The highest observed frequency was 0.001% (1/113150) of European (non-Finnish) alleles. Based on insufficient or conflicting evidence, the clinical significance of this alteration remains unclear.

NM_002224.4(ITPR3):c.1883C>T (p.Pro628Leu)

Gene: ITPR3 (inositol 1,4,5-trisphosphate receptor type 3; plus strand). Cytogenetic location: 6p21.31.
Variant type: single nucleotide variant.
Coding change: c.1883C>T on transcript NM_002224.4 (MANE Select); coding-DNA position 1883, C replaced by T.
Protein change: p.Pro628Leu; replaces proline 628 with leucine.
Molecular consequence: missense variant.
Genome position (GRCh38, 1-based): chr6:33,667,961, C>T. VCF-style: chr6-33667961-C-T. GRCh37 (hg19) VCF-style: chr6-33635738-C-T.
Other names: short protein forms P628L.
Identifiers: ClinVar variation 2599248 (VCV002599248.3), dbSNP rs368890268, ClinGen allele CA3760382.